The following is an entry in ClinVar:

NM_015057.5(MYCBP2):c.8363T>C (p.Leu2788Ser)

Gene: MYCBP2 (MYC binding protein 2; minus strand). Cytogenetic location: 13q22.3.
Variant type: single nucleotide variant.
Coding change: c.8363T>C on transcript NM_015057.5 (MANE Select); coding-DNA position 8363, T replaced by C.
Protein change: p.Leu2788Ser; replaces leucine 2788 with serine.
Molecular consequence: missense variant.
Genome position (GRCh38, 1-based): chr13:77,098,791, A>G on the plus strand (T>C on the coding strand, the complement: MYCBP2 is on the minus strand). VCF-style: chr13-77098791-A-G. GRCh37 (hg19) VCF-style: chr13-77672926-A-G.
Other names: short protein forms L2788S.
Identifiers: ClinVar variation 788889 (VCV000788889.29), dbSNP rs116957494, ClinGen allele CA7008696.

ClinVar aggregate classification (germline): Benign/Likely benign. Review status: criteria provided, multiple submitters, no conflicts (2 of 4 stars). 4 submissions from 4 submitters: Benign (1); Likely benign (2). 1 of the submissions does not count toward it. Last evaluated 2022-09-01.

Conditions:
MYCBP2-related disorder. Also called: MYCBP2-related condition.

Allele frequency attached by ClinVar (database versions not stated): 1000 Genomes Project 0.00060; 1000 Genomes Project 30x 0.00094; ESP Exome Variant Server 0.00100; gnomAD exomes 0.00104 and 0.00130; gnomAD 0.00105 and 0.00106; TOPMed 0.00110; ExAC 0.00115.
gnomAD v4.1: 2,061 of 1,613,580 alleles (0.13%); highest among the groups gnomAD compares: Admixed American, 0.18%; 2 homozygotes.

Submissions (4):

CeGaT Center for Human Genetics Tuebingen
Classification: Benign. Last evaluated: 2022-09-01. Review status: criteria provided, single submitter. Criteria: CeGaT Center For Human Genetics Tuebingen Variant Classification Criteria Version 2. Collection method: clinical testing. Allele origin: germline. Affected: yes. Observed: 1 variant allele.
Comment: MYCBP2: PP2, BS1, BS2

Labcorp Genetics (formerly Invitae), Labcorp
Classification: Likely benign. Last evaluated: 2018-12-14. Review status: criteria provided, single submitter. Criteria: Invitae Variant Classification Sherloc (09022015). Collection method: clinical testing. Allele origin: germline.

Breakthrough Genomics
Classification: Likely benign. Review status: criteria provided, single submitter. Criteria: ACMG Guidelines, 2015. Collection method: not provided. Allele origin: germline. Inheritance: Unknown mechanism. Affected: yes.

PreventionGenetics, part of Exact Sciences
Classification: Likely benign for MYCBP2-related condition. Last evaluated: 2022-12-01. Review status: no assertion criteria provided. Collection method: clinical testing. Allele origin: germline. Not counted in ClinVar's aggregate classification.
Comment: This variant is classified as likely benign based on ACMG/AMP sequence variant interpretation guidelines (Richards et al. 2015 PMID: 25741868, with internal and published modifications).